The following is an entry in ClinVar:

NM_000065.5(C6):c.712A>C (p.Asn238His)

Gene: C6 (complement C6; minus strand). Cytogenetic location: 5p13.1.
Variant type: single nucleotide variant.
Coding change: c.712A>C on transcript NM_000065.5 (MANE Select); coding-DNA position 712, A replaced by C.
Protein change: p.Asn238His; replaces asparagine 238 with histidine.
Molecular consequence: missense variant.
Genome position (GRCh38, 1-based): chr5:41,186,084, T>G on the plus strand (A>C on the coding strand, the complement: C6 is on the minus strand). VCF-style: chr5-41186084-T-G. GRCh37 (hg19) VCF-style: chr5-41186186-T-G.
Other names: c.712A>C, p.Asn238His (NM_001115131.4); short protein forms N238H.
Identifiers: ClinVar variation 1170708 (VCV001170708.35), dbSNP rs115613673, ClinGen allele CA3252691.

ClinVar aggregate classification (germline): Benign/Likely benign. Review status: criteria provided, multiple submitters, no conflicts (2 of 4 stars). 4 submissions from 4 submitters: Benign (1); Likely benign (3). Last evaluated 2026-04-08.

Allele frequency attached by ClinVar (database versions not stated): 1000 Genomes Project 30x 0.00094; 1000 Genomes Project 0.00100; TOPMed 0.00136; gnomAD 0.00149 and 0.00150; gnomAD exomes 0.00192 and 0.00193; ExAC 0.00199; ESP Exome Variant Server 0.00246.
gnomAD v4.1: 3,020 of 1,614,000 alleles (0.19%); highest among the groups gnomAD compares: Non-Finnish European, 0.21%; no homozygotes.

Submissions (4):

Women's Health and Genetics/Laboratory Corporation of America, LabCorp
Classification: Likely benign. Last evaluated: 2026-04-08. Review status: criteria provided, single submitter. Criteria: LabCorp Variant Classification Summary - May 2015. Collection method: clinical testing. Allele origin: germline.
Comment: Variant summary: C6 c.712A>C (p.Asn238His) results in a conservative amino acid change in the encoded protein sequence. Algorithms developed to predict the effect of missense changes on protein structure and function all suggest that this variant is likely to be tolerated. The variant allele was found at a frequency of 0.0019 in 1614000 control chromosomes, predominantly at a frequency of 0.01 within the Ashkenazi Jewish subpopulation in the gnomAD database. The observed variant frequency within Ashkenazi Jewish control individuals in the gnomAD database exceeds the estimated maximal expected allele frequency for disease-causing variants in C6. To our knowledge, no occurrence of c.712A>C in individuals affected with C6-related conditions and no experimental evidence demonstrating its impact on protein function have been reported. ClinVar contains an entry for this variant (Variation ID: 1170708). Based on the evidence outlined above, the variant was classified as likely benign.

Labcorp Genetics (formerly Invitae), Labcorp
Classification: Benign. Last evaluated: 2026-01-13. Review status: criteria provided, single submitter. Criteria: Invitae Variant Classification Sherloc (09022015). Collection method: clinical testing. Allele origin: germline.

CeGaT Center for Human Genetics Tuebingen
Classification: Likely benign. Last evaluated: 2024-12-01. Review status: criteria provided, single submitter. Criteria: CeGaT Center For Human Genetics Tuebingen Variant Classification Criteria Version 2. Collection method: clinical testing. Allele origin: germline. Affected: yes. Observed: 3 variant alleles.
Comment: C6: BP4

Blueprint Genetics
Classification: Likely benign. Last evaluated: 2024-11-26. Review status: criteria provided, single submitter. Criteria: ACMG Guidelines, 2015. Collection method: clinical testing. Allele origin: germline.